The following is an entry in ClinVar:

NM_173630.4(RTTN):c.3259G>A (p.Glu1087Lys)

Gene: RTTN (rotatin; minus strand). Cytogenetic location: 18q22.2.
Variant type: single nucleotide variant.
Coding change: c.3259G>A on transcript NM_173630.4 (MANE Select); coding-DNA position 3259, G replaced by A.
Protein change: p.Glu1087Lys; replaces glutamic acid 1087 with lysine.
Molecular consequence: missense variant.
Genome position (GRCh38, 1-based): chr18:70,127,626, C>T on the plus strand (G>A on the coding strand, the complement: RTTN is on the minus strand). VCF-style: chr18-70127626-C-T. GRCh37 (hg19) VCF-style: chr18-67794862-C-T.
Other names: c.3259G>A (NM_173630.3); c.523G>A, p.Glu175Lys (NM_001318520.2); short protein forms E1087K, E175K.
Identifiers: ClinVar variation 1514781 (VCV001514781.6), dbSNP rs909861285, ClinGen allele CA301962881.

ClinVar aggregate classification (germline): Uncertain significance. Review status: criteria provided, multiple submitters, no conflicts (2 of 4 stars). 3 submissions from 3 submitters: Uncertain significance (3). Last evaluated 2025-10-22.

Conditions:
Inborn genetic diseases. Identifiers: MedGen C0950123, MeSH D030342.

Allele frequency attached by ClinVar (database versions not stated): TOPMed 0.00005; gnomAD 0.00003; gnomAD exomes below 0.00001.
gnomAD v4.1: 7 of 1,613,472 alleles (0.00043%); highest among the groups gnomAD compares: Admixed American, 0.01%; no homozygotes.

Submissions (3):

Ambry Genetics
Classification: Uncertain significance for Inborn genetic diseases. Last evaluated: 2025-10-22. Review status: criteria provided, single submitter. Criteria: Ambry Variant Classification Scheme 2023. Collection method: clinical testing. Allele origin: germline.

GeneDx
Classification: Uncertain significance. Last evaluated: 2024-11-26. Review status: criteria provided, single submitter. Criteria: GeneDx Variant Classification Process June 2021. Collection method: clinical testing. Allele origin: germline. Affected: yes.
Comment: Not observed at significant frequency in large population cohorts (gnomAD); In silico analysis indicates that this missense variant does not alter protein structure/function; Has not been previously published as pathogenic or benign to our knowledge

Labcorp Genetics (formerly Invitae), Labcorp
Classification: Uncertain significance. Last evaluated: 2022-03-17. Review status: criteria provided, single submitter. Criteria: Invitae Variant Classification Sherloc (09022015). Collection method: clinical testing. Allele origin: germline.
Comment: This sequence change replaces glutamic acid, which is acidic and polar, with lysine, which is basic and polar, at codon 1087 of the RTTN protein (p.Glu1087Lys). This variant is present in population databases (no rsID available, gnomAD 0.003%). This variant has not been reported in the literature in individuals affected with RTTN-related conditions. Algorithms developed to predict the effect of missense changes on protein structure and function (SIFT, PolyPhen-2, Align-GVGD) all suggest that this variant is likely to be tolerated. In summary, the available evidence is currently insufficient to determine the role of this variant in disease. Therefore, it has been classified as a Variant of Uncertain Significance.